The following is an entry in ClinVar:

ClinVar aggregate classification (germline): Conflicting classifications of pathogenicity. Review status: criteria provided, conflicting classifications (1 of 4 stars). 5 submissions from 5 submitters: Uncertain significance (1); Likely benign (4). Last evaluated 2026-06-01.

Conditions:
Ataxia-telangiectasia-like disorder (ATLD). Identifiers: MedGen C1858391, MONDO:0011457.
Hereditary cancer-predisposing syndrome. Also called: Tumor predisposition; Neoplastic Syndromes, Hereditary; Hereditary Cancer Syndrome; Hereditary neoplastic syndrome. Identifiers: Orphanet 140162, MedGen C0027672, MeSH D009386, MONDO:0015356.

Allele frequency attached by ClinVar (database versions not stated): gnomAD exomes 0.00001; ExAC 0.00002; gnomAD 0.00002 and 0.00003; TOPMed 0.00004; ESP Exome Variant Server 0.00008.
gnomAD v4.1: 14 of 1,612,474 alleles (0.00087%); highest among the groups gnomAD compares: African/African-American, 0.0013%; no homozygotes.

Submissions (5):

CeGaT Center for Human Genetics Tuebingen
Classification: Likely benign. Last evaluated: 2026-06-01. Review status: criteria provided, single submitter. Criteria: CeGaT Center For Human Genetics Tuebingen Variant Classification Criteria Version 2. Collection method: clinical testing. Allele origin: germline. Affected: yes. Observed: 2 variant alleles.
Comment: MRE11: BP4, BP7

Labcorp Genetics (formerly Invitae), Labcorp
Classification: Likely benign for Ataxia-telangiectasia-like disorder. Last evaluated: 2026-01-21. Review status: criteria provided, single submitter. Criteria: Invitae Variant Classification Sherloc (09022015). Collection method: clinical testing. Allele origin: germline.

Women's Health and Genetics/Laboratory Corporation of America, LabCorp
Classification: Likely benign. Last evaluated: 2022-08-07. Review status: criteria provided, single submitter. Criteria: LabCorp Variant Classification Summary - May 2015. Collection method: clinical testing. Allele origin: germline.

Sema4
Classification: Uncertain significance for Hereditary cancer-predisposing syndrome. Last evaluated: 2021-10-19. Review status: criteria provided, single submitter. Criteria: Sema4 Curation Guidelines. Collection method: curation. Allele origin: germline.
Comment: The MRE11 c.534A>G (p.L178=) variant has not been reported in the literature to our knowledge. It was observed in 1/24968 chromosomes of the African/African American subpopulation in the large and broad cohorts of the Genome Aggregation Database (PMID: 32461654). The variant has been reported in ClinVar (Variation ID 185763). In silico tools suggest that the variant may have an impact on splicing, though these predictions have not been confirmed by functional studies. The evidence is insufficient to meet ACMG/AMP criteria for classifying the variant as benign or pathogenic. Thus, the clinical significance of this variant is currently uncertain.

Ambry Genetics
Classification: Likely benign for Hereditary cancer-predisposing syndrome. Last evaluated: 2014-07-30. Review status: criteria provided, single submitter. Criteria: Ambry Variant Classification Scheme 2023. Collection method: clinical testing. Allele origin: germline.

NM_005591.4(MRE11):c.534A>G (p.Leu178=)

Gene: MRE11 (MRE11 double strand break repair nuclease; minus strand). Cytogenetic location: 11q21.
Variant type: single nucleotide variant.
Coding change: c.534A>G on transcript NM_005591.4 (MANE Select); coding-DNA position 534, A replaced by G.
Protein change: p.Leu178=; no amino-acid change (leucine 178 retained).
Molecular consequence: synonymous variant.
Genome position (GRCh38, 1-based): chr11:94,478,745, T>C on the plus strand (A>G on the coding strand, the complement: MRE11 is on the minus strand). VCF-style: chr11-94478745-T-C. GRCh37 (hg19) VCF-style: chr11-94211911-T-C.
Other names: c.534A>G, p.Leu178= (NM_001330347.2, NM_005590.4).
Identifiers: ClinVar variation 185763 (VCV000185763.40), dbSNP rs374635285, ClinGen allele CA192859.
Genomic context (GRCh38, chr11:94,478,745, plus strand): 5'-TGTTTAAAGAATCACACATGGACATAAACAGTAAAATAAAACTGTCTTACCTAAACCATA[T>C]AGCGCAATCTTTGTGCTTCCTTTTTGAAGCAAAACCGGACTAATGTCTATCTTCTCCACA-3'
Protein context (NP_005582.1, residues 168-188): LLQKGSTKIA[Leu178=]YGLGSIPDER